The following is an entry in ClinVar:

ClinVar aggregate classification (germline): Uncertain significance (1 of 4 stars; one submission).

Submission:

CeGaT Center for Human Genetics Tuebingen
Classification: Uncertain significance. Last evaluated: 2023-11-01. Review status: criteria provided, single submitter. Criteria: CeGaT Center For Human Genetics Tuebingen Variant Classification Criteria Version 2. Collection method: clinical testing. Allele origin: germline. Affected: yes. Observed: 1 variant allele.
Comment: LAMA5: PM2

NM_005560.6(LAMA5):c.7217A>G (p.Gln2406Arg)

Gene: LAMA5 (laminin subunit alpha 5; minus strand). Cytogenetic location: 20q13.33.
Variant type: single nucleotide variant.
Coding change: c.7217A>G on transcript NM_005560.6 (MANE Select); coding-DNA position 7217, A replaced by G.
Protein change: p.Gln2406Arg; replaces glutamine 2406 with arginine.
Molecular consequence: missense variant.
Genome position (GRCh38, 1-based): chr20:62,318,476, T>C on the plus strand (A>G on the coding strand, the complement: LAMA5 is on the minus strand). VCF-style: chr20-62318476-T-C. GRCh37 (hg19) VCF-style: chr20-60893532-T-C.
Other names: short protein forms Q2406R.
Identifiers: ClinVar variation 2672886 (VCV002672886.23), dbSNP rs1207699472, ClinGen allele CA409554144.
Genomic context (GRCh38, chr20:62,318,476, plus strand): 5'-AAGAGGAGCAGGAGGAAGAACAAGTCCGGGGTCCTCACCAGGGCTTCCTCCAGGCGCTCC[T>C]GGTTGCGGCTGTTGAGCTCCTGGGCCTCCCGTGTGGCGTCCACTGCCCGGTTCAAAGCCT-3'
Protein context (NP_005551.3, residues 2396-2416): REAQELNSRN[Gln2406Arg]ERLEEALQRK